The following is an entry in ClinVar:

ClinVar aggregate classification (germline): Uncertain significance. Review status: criteria provided, multiple submitters, no conflicts (2 of 4 stars). 2 submissions from 2 submitters: Uncertain significance (2). Last evaluated 2025-04-01.

gnomAD v4.1: 4 of 1,614,054 alleles (0.00025%); highest among the groups gnomAD compares: Non-Finnish European, 0.000085%; no homozygotes.

Submissions (2):

Ambry Genetics
Classification: Uncertain significance. Last evaluated: 2025-04-01. Review status: criteria provided, single submitter. Criteria: Ambry Variant Classification Scheme 2023. Collection method: clinical testing. Allele origin: germline.

Labcorp Genetics (formerly Invitae), Labcorp
Classification: Uncertain significance. Last evaluated: 2024-06-29. Review status: criteria provided, single submitter. Criteria: Invitae Variant Classification Sherloc (09022015). Collection method: clinical testing. Allele origin: germline.
Comment: This sequence change replaces proline, which is neutral and non-polar, with leucine, which is neutral and non-polar, at codon 179 of the ZNF687 protein (p.Pro179Leu). This variant is not present in population databases (gnomAD no frequency). This variant has not been reported in the literature in individuals affected with ZNF687-related conditions. Algorithms developed to predict the effect of missense changes on protein structure and function output the following: SIFT: "Not Available"; PolyPhen-2: "Benign"; Align-GVGD: "Not Available". The leucine amino acid residue is found in multiple mammalian species, which suggests that this missense change does not adversely affect protein function. In summary, the available evidence is currently insufficient to determine the role of this variant in disease. Therefore, it has been classified as a Variant of Uncertain Significance.

NM_020832.3(ZNF687):c.536C>T (p.Pro179Leu)

Gene: ZNF687 (zinc finger protein 687; plus strand). Cytogenetic location: 1q21.3.
Variant type: single nucleotide variant.
Coding change: c.536C>T on transcript NM_020832.3 (MANE Select); coding-DNA position 536, C replaced by T.
Protein change: p.Pro179Leu; replaces proline 179 with leucine.
Molecular consequence: missense variant.
Genome position (GRCh38, 1-based): chr1:151,286,827, C>T. VCF-style: chr1-151286827-C-T. GRCh37 (hg19) VCF-style: chr1-151259303-C-T.
Other names: c.536C>T (NM_020832.1); c.536C>T, p.Pro179Leu (NM_001304763.2, NM_001304764.2); short protein forms P179L.
Identifiers: ClinVar variation 3618344 (VCV003618344.3).